The following is an entry in ClinVar:

ClinVar aggregate classification (germline): Uncertain significance (1 of 4 stars; one submission).

gnomAD v4.1: 8 of 1,614,044 alleles (0.0005%); highest among the groups gnomAD compares: Admixed American, 0.0017%; no homozygotes.

Submission:

Women's Health and Genetics/Laboratory Corporation of America, LabCorp
Classification: Uncertain significance. Last evaluated: 2024-10-16. Review status: criteria provided, single submitter. Criteria: LabCorp Variant Classification Summary - May 2015. Collection method: clinical testing. Allele origin: germline.
Comment: Variant summary: TCF20 c.4102G>A (p.Ala1368Thr) results in a non-conservative amino acid change in the encoded protein sequence. Three of five in-silico tools predict a damaging effect of the variant on protein function. The variant allele was found at a frequency of 8e-06 in 251470 control chromosomes (gnomAD). The available data on variant occurrences in the general population are insufficient to allow any conclusion about variant significance. To our knowledge, no occurrence of c.4102G>A in individuals affected with Developmental Delay With Variable Intellectual Impairment And Behavioral Abnormalities and no experimental evidence demonstrating its impact on protein function have been reported. No submitters have cited clinical-significance assessments for this variant to ClinVar. Based on the evidence outlined above, the variant was classified as uncertain significance.

NM_001378418.1(TCF20):c.4102G>A (p.Ala1368Thr)

Gene: TCF20 (transcription factor 20; minus strand). Cytogenetic location: 22q13.2.
Variant type: single nucleotide variant.
Coding change: c.4102G>A on transcript NM_001378418.1 (MANE Select); coding-DNA position 4102, G replaced by A.
Protein change: p.Ala1368Thr; replaces alanine 1368 with threonine.
Molecular consequence: missense variant.
Genome position (GRCh38, 1-based): chr22:42,211,204, C>T on the plus strand (G>A on the coding strand, the complement: TCF20 is on the minus strand). VCF-style: chr22-42211204-C-T. GRCh37 (hg19) VCF-style: chr22-42607210-C-T.
Other names: c.4102G>A, p.Ala1368Thr (NM_005650.4, NM_181492.3); short protein forms A1368T.
Identifiers: ClinVar variation 3385273 (VCV003385273.1).